The following is an entry in ClinVar:

ClinVar aggregate classification (germline): Pathogenic (1 of 4 stars; one submission).

Conditions:
Peutz-Jeghers syndrome (PJS). Also called: POLYPOSIS, HAMARTOMATOUS INTESTINAL; POLYPS-AND-SPOTS SYNDROME; Peutz-Jeghers polyposis; Periorificial lentiginosis syndrome. Identifiers: Orphanet 2869, MedGen C0031269, MeSH D010580, MONDO:0008280, OMIM 175200.

Submission:

Labcorp Genetics (formerly Invitae), Labcorp
Classification: Pathogenic for Peutz-Jeghers syndrome. Last evaluated: 2018-02-18. Review status: criteria provided, single submitter. Criteria: Invitae Variant Classification Sherloc (09022015). Collection method: clinical testing. Allele origin: germline.
Comment: For these reasons, this variant has been classified as Pathogenic. Loss-of-function variants in STK11 are known to be pathogenic (PMID: 15188174, 16287113). While this particular deletion has not been reported in the literature, a different gross deletion (exons 4-6), encompassed by this larger deletion has been reported in a family affected with Peutz-Jeghers syndrome (PMID: 24652667). This sequence change is a gross deletion of the genomic region encompassing the last 223 nucleotides of exon 1 and all of exons 2-6 of the STK11 gene (c.67_862+67del). This likely creates a premature translational stop signal and is expected to result in an absent or disrupted protein product.

Literature cited by the submitters: PubMed 15188174; PubMed 16287113; PubMed 24652667.

NC_000019.10:g.(?_1206908)_(1221346_?)del

Genes: STK11 (serine/threonine kinase 11; plus strand), LOC110006317 (serine/threonine kinase 11 intron 1 Alu-mediated recombination region; plus strand), LOC110006318 (serine/threonine kinase 11 intron 3 Alu-mediated recombination region; plus strand), LOC121627843 (Sharpr-MPRA regulatory region 9448; plus strand), LOC125371447 (Sharpr-MPRA regulatory region 13808; plus strand) and 3 more. Cytogenetic location: 19p13.3.
Variant type: Deletion.
Identifiers: ClinVar variation 583544 (VCV000583544.10).